The following is an entry in ClinVar:

NM_004947.5(DOCK3):c.5714C>T (p.Ser1905Leu)

Gene: DOCK3 (dedicator of cytokinesis 3; plus strand). Cytogenetic location: 3p21.2.
Variant type: single nucleotide variant.
Coding change: c.5714C>T on transcript NM_004947.5 (MANE Select); coding-DNA position 5714, C replaced by T.
Protein change: p.Ser1905Leu; replaces serine 1905 with leucine.
Molecular consequence: missense variant.
Genome position (GRCh38, 1-based): chr3:51,381,180, C>T. VCF-style: chr3-51381180-C-T. GRCh37 (hg19) VCF-style: chr3-51418611-C-T.
Other names: short protein forms S1905L.
Identifiers: ClinVar variation 4243853 (VCV004243853.2).

ClinVar aggregate classification (germline): Uncertain significance. Review status: criteria provided, multiple submitters, no conflicts (2 of 4 stars). 2 submissions from 2 submitters: Uncertain significance (2). Last evaluated 2025-08-01.

Conditions:
Inborn genetic diseases. Identifiers: MedGen C0950123, MeSH D030342.

gnomAD v4.1: 597 of 1,613,892 alleles (0.037%); highest among the groups gnomAD compares: South Asian, 0.065%; 1 homozygote.

Submissions (2):

Ambry Genetics
Classification: Uncertain significance for Inborn genetic diseases. Last evaluated: 2025-08-01. Review status: criteria provided, single submitter. Criteria: Ambry Variant Classification Scheme 2023. Collection method: clinical testing. Allele origin: germline.

GeneDx
Classification: Uncertain significance. Last evaluated: 2022-10-27. Review status: criteria provided, single submitter. Criteria: GeneDx Variant Classification Process June 2021. Collection method: clinical testing. Allele origin: germline. Affected: yes.
Comment: In silico analysis supports that this missense variant does not alter protein structure/function; Has not been previously published as pathogenic or benign to our knowledge; Variants in candidate genes are classified as variants of uncertain significance in accordance with ACMG guidelines (Richards et al., 2015)